The following is an entry in ClinVar:

ClinVar aggregate classification (germline): Benign/Likely benign. Review status: criteria provided, multiple submitters, no conflicts (2 of 4 stars). 8 submissions from 8 submitters: Benign (2); Likely benign (6). Last evaluated 2026-07-01.

Conditions:
Cardiovascular phenotype. Identifiers: MedGen CN230736.

Allele frequency attached by ClinVar (database versions not stated): 1000 Genomes Project 0.00060; ESP Exome Variant Server 0.00246; 1000 Genomes Project 30x 0.00078; ExAC 0.00181; gnomAD exomes 0.00193; TOPMed 0.00210; gnomAD 0.00220 and 0.00227.
gnomAD v4.1: 6,608 of 1,612,376 alleles (0.41%); highest among the groups gnomAD compares: Non-Finnish European, 0.52%; 24 homozygotes.

Submissions (8):

CeGaT Center for Human Genetics Tuebingen
Classification: Likely benign. Last evaluated: 2026-07-01. Review status: criteria provided, single submitter. Criteria: CeGaT Center For Human Genetics Tuebingen Variant Classification Criteria Version 2. Collection method: clinical testing. Allele origin: germline. Affected: yes. Observed: 2 variant alleles.
Comment: GPIHBP1: BP4, BP7, BS2

Labcorp Genetics (formerly Invitae), Labcorp
Classification: Benign. Last evaluated: 2026-01-27. Review status: criteria provided, single submitter. Criteria: Invitae Variant Classification Sherloc (09022015). Collection method: clinical testing. Allele origin: germline.

Mayo Clinic Laboratories, Mayo Clinic
Classification: Likely benign. Last evaluated: 2025-06-12. Review status: criteria provided, single submitter. Criteria: ACMG Guidelines, 2015. Collection method: clinical testing. Allele origin: germline. Observed: 1 variant allele.
Comment: BS1, BP4, BP7

Molecular Diagnostic Laboratory for Inherited Cardiovascular Disease, Montreal Heart Institute
Classification: Benign. Last evaluated: 2025-04-09. Review status: criteria provided, single submitter. Criteria: ACMG Guidelines, 2015. Collection method: clinical testing. Allele origin: germline. Affected: no.

Blueprint Genetics
Classification: Likely benign. Last evaluated: 2024-11-27. Review status: criteria provided, single submitter. Criteria: ACMG Guidelines, 2015. Collection method: clinical testing. Allele origin: germline.

GeneDx
Classification: Likely benign. Last evaluated: 2021-04-01. Review status: criteria provided, single submitter. Criteria: GeneDx Variant Classification Process June 2021. Collection method: clinical testing. Allele origin: germline. Affected: yes.

Ambry Genetics
Classification: Likely benign for Cardiovascular phenotype. Last evaluated: 2019-04-04. Review status: criteria provided, single submitter. Criteria: Ambry Variant Classification Scheme 2023. Collection method: clinical testing. Allele origin: germline.

Breakthrough Genomics
Classification: Likely benign. Review status: criteria provided, single submitter. Criteria: ACMG Guidelines, 2015. Collection method: not provided. Allele origin: germline. Inheritance: Autosomal recessive inheritance. Affected: yes.

NM_178172.6(GPIHBP1):c.285C>T (p.His95=)

Gene: GPIHBP1 (glycosylphosphatidylinositol anchored high density lipoprotein binding protein 1; plus strand). Cytogenetic location: 8q24.3.
Variant type: single nucleotide variant.
Coding change: c.285C>T on transcript NM_178172.6 (MANE Select); coding-DNA position 285, C replaced by T.
Protein change: p.His95=; no amino-acid change (histidine 95 retained).
Molecular consequence: synonymous variant.
Genome position (GRCh38, 1-based): chr8:143,215,116, C>T. VCF-style: chr8-143215116-C-T. GRCh37 (hg19) VCF-style: chr8-144296991-C-T.
Other names: p.His95=; c.285C>T, p.His95= (NM_001301772.2).
Identifiers: ClinVar variation 788791 (VCV000788791.44), dbSNP rs138215873, ClinGen allele CA4907065.
Genomic context (GRCh38, chr8:143,215,116, plus strand): 5'-GCGCTGCAACCTGACGCAGAACTGCTCACATGGCCAGACCTGCACAACCCTCATTGCCCA[C>T]GGGAACACCGGTAAGTGGGCGTGGGGCCGCAGCACATGCACCCCCAGGCGGCGGGAAAGC-3'
Protein context (NP_835466.2, residues 85-105): HGQTCTTLIA[His95=]GNTESGLLTT